The following is an entry in ClinVar:

ClinVar aggregate classification (germline): Likely pathogenic. Review status: criteria provided, multiple submitters, no conflicts (2 of 4 stars). 2 submissions from 2 submitters: Likely pathogenic (2). Last evaluated 2026-02-12.

Conditions:
Dilated cardiomyopathy 1G (CMD1G). Identifiers: Orphanet 154, MedGen C1858763, MONDO:0011400, OMIM 604145.
Autosomal recessive limb-girdle muscular dystrophy type 2J (LGMDR10). Also called: Limb-girdle muscular dystrophy, type 2J; MUSCULAR DYSTROPHY, LIMB-GIRDLE, AUTOSOMAL RECESSIVE 10. Identifiers: Orphanet 140922, MedGen C1837342, MONDO:0012127, OMIM 608807.

Submissions (2):

GeneDx
Classification: Likely pathogenic. Last evaluated: 2026-02-12. Review status: criteria provided, single submitter. Criteria: GeneDx Variant Classification Process June 2021. Collection method: clinical testing. Allele origin: germline.
Comment: Not observed at significant frequency in large population cohorts (gnomAD); Canonical splice site variant predicted to result in an in-frame loss of the adjacent exon in a gene for which loss of function is a known mechanism of disease; Located in the A-band, a region of TTN for which truncating variants are significantly associated with autosomal dominant cardiomyopathy and also with autosomal recessive skeletal myopathies (PMID: 22335739, 32778822); Has not been previously reported as pathogenic or benign in association with TTN-related disorders to our knowledge; This variant is associated with the following publications: (PMID: 39096151, 22335739, 32778822)

Labcorp Genetics (formerly Invitae), Labcorp
Classification: Likely pathogenic for Dilated cardiomyopathy 1G; Autosomal recessive limb-girdle muscular dystrophy type 2J. Last evaluated: 2025-01-11. Review status: criteria provided, single submitter. Criteria: Invitae Variant Classification Sherloc (09022015). Collection method: clinical testing. Allele origin: germline.
Comment: This sequence change affects an acceptor splice site in intron 265 of the TTN gene. It is expected to disrupt RNA splicing and likely results in a truncated or disrupted TTN protein. This variant is not present in population databases (gnomAD no frequency). This variant has not been reported in the literature in individuals affected with TTN-related conditions. ClinVar contains an entry for this variant (Variation ID: 1803486). Algorithms developed to predict the effect of sequence changes on RNA splicing suggest that this variant may disrupt the consensus splice site. This variant is located in the A band of TTN (PMID: 25589632). Truncating variants in this region are significantly overrepresented in patients affected with dilated cardiomyopathy (PMID: 25589632). Truncating variants in this region have also been reported in individuals affected with autosomal recessive centronuclear myopathy (PMID: 23975875). In summary, the currently available evidence indicates that the variant is pathogenic, but additional data are needed to prove that conclusively. Therefore, this variant has been classified as Likely Pathogenic.

Literature cited by the submitters: PubMed 25589632 (cited by Labcorp Genetics (formerly Invitae), Labcorp); PubMed 23975875 (cited by Labcorp Genetics (formerly Invitae), Labcorp).

NM_001267550.2(TTN):c.49949-2A>T

Genes: TTN (titin; minus strand), TTN-AS1 (TTN antisense RNA 1; plus strand). Cytogenetic location: 2q31.2.
Variant type: single nucleotide variant.
Coding change: c.49949-2A>T on transcript NM_001267550.2 (MANE Select); the canonical splice acceptor site of the intron before coding-DNA position 49949, A replaced by T.
Molecular consequence: splice acceptor variant.
Genome position (GRCh38, 1-based): chr2:178,612,578, T>A on the plus strand (A>T on the coding strand, the complement: TTN is on the minus strand). VCF-style: chr2-178612578-T-A. GRCh37 (hg19) VCF-style: chr2-179477305-T-A.
Other names: c.22754-2A>T (NM_003319.4); c.23330-2A>T (NM_133437.4); c.23129-2A>T (NM_133432.3); c.42245-2A>T (NM_133378.4); c.45026-2A>T (NM_001256850.1).
Identifiers: ClinVar variation 1803486 (VCV001803486.4), dbSNP rs2470546043, ClinGen allele CA349600260.